The following is an entry in ClinVar:

ClinVar aggregate classification (germline): Uncertain significance. Review status: criteria provided, multiple submitters, no conflicts (2 of 4 stars). 4 submissions from 4 submitters: Uncertain significance (4). Last evaluated 2025-03-17.

Conditions:
Inborn genetic diseases. Identifiers: MedGen C0950123, MeSH D030342.
Microcephaly 5, primary, autosomal recessive (MCPH5). Also called: ASPM Primary Microcephaly. Identifiers: Orphanet 2512, MedGen C1837501, MONDO:0012106, OMIM 608716.

Allele frequency attached by ClinVar (database versions not stated): ExAC 0.00002; gnomAD exomes 0.00002 and 0.00005; TOPMed 0.00002; gnomAD 0.00004.
gnomAD v4.1: 84 of 1,613,716 alleles (0.0052%); highest among the groups gnomAD compares: Non-Finnish European, 0.0066%; no homozygotes.

Submissions (4):

Labcorp Genetics (formerly Invitae), Labcorp
Classification: Uncertain significance. Last evaluated: 2025-03-17. Review status: criteria provided, single submitter. Criteria: Invitae Variant Classification Sherloc (09022015). Collection method: clinical testing. Allele origin: germline.
Comment: This sequence change replaces glutamic acid, which is acidic and polar, with lysine, which is basic and polar, at codon 561 of the ASPM protein (p.Glu561Lys). This variant is present in population databases (rs763648822, gnomAD 0.006%). This variant has not been reported in the literature in individuals affected with ASPM-related conditions. ClinVar contains an entry for this variant (Variation ID: 294652). Invitae Evidence Modeling of protein sequence and biophysical properties (such as structural, functional, and spatial information, amino acid conservation, physicochemical variation, residue mobility, and thermodynamic stability) indicates that this missense variant is not expected to disrupt ASPM protein function with a negative predictive value of 80%. In summary, the available evidence is currently insufficient to determine the role of this variant in disease. Therefore, it has been classified as a Variant of Uncertain Significance.

Ambry Genetics
Classification: Uncertain significance for Inborn genetic diseases. Last evaluated: 2024-07-14. Review status: criteria provided, single submitter. Criteria: Ambry Variant Classification Scheme 2023. Collection method: clinical testing. Allele origin: germline.

Genome-Nilou Lab
Classification: Uncertain significance for Microcephaly 5, primary, autosomal recessive. Last evaluated: 2023-04-11. Review status: criteria provided, single submitter. Criteria: ACMG Guidelines, 2015. Collection method: clinical testing. Allele origin: germline. Affected: no.

Illumina Laboratory Services, Illumina
Classification: Uncertain significance for Microcephaly 5, primary, autosomal recessive. Last evaluated: 2018-01-12. Review status: criteria provided, single submitter. Criteria: ICSL Variant Classification Criteria 13 December 2019. Collection method: clinical testing. Allele origin: germline.

NM_018136.5(ASPM):c.1681G>A (p.Glu561Lys)

Gene: ASPM (assembly factor for spindle microtubules; minus strand). Cytogenetic location: 1q31.3.
Variant type: single nucleotide variant.
Coding change: c.1681G>A on transcript NM_018136.5 (MANE Select); coding-DNA position 1681, G replaced by A.
Protein change: p.Glu561Lys; replaces glutamic acid 561 with lysine.
Molecular consequence: missense variant.
Genome position (GRCh38, 1-based): chr1:197,142,571, C>T on the plus strand (G>A on the coding strand, the complement: ASPM is on the minus strand). VCF-style: chr1-197142571-C-T. GRCh37 (hg19) VCF-style: chr1-197111701-C-T.
Other names: c.1681G>A, p.Glu561Lys (NM_001206846.2); short protein forms E561K.
Identifiers: ClinVar variation 294652 (VCV000294652.12), dbSNP rs763648822, ClinGen allele CA1310671.